The following is an entry in ClinVar:

ClinVar aggregate classification (germline): Pathogenic (1 of 4 stars; one submission).

Conditions:
Charcot-Marie-Tooth disease type 4. Also called: Charcot-Marie-Tooth disease, type IV; Charcot-Marie-Tooth, Type 4. Identifiers: Orphanet 64749, MedGen C4082197, MONDO:0018995.

Submission:

Labcorp Genetics (formerly Invitae), Labcorp
Classification: Pathogenic for Charcot-Marie-Tooth disease type 4. Last evaluated: 2017-10-31. Review status: criteria provided, single submitter. Criteria: Invitae Variant Classification Sherloc (09022015). Collection method: clinical testing. Allele origin: germline.
Comment: This variant is an out-of-frame deletion of the genomic region encompassing exon 5 of the PRX gene. This is expected to create a premature translational stop signal and result in an absent or disrupted protein product. This copy number variant has not been reported in the literature in individuals with PRX-related disease. Loss-of-function variants in PRX are known to be pathogenic (PMID: 11133365). For these reasons, this variant has been classified as Pathogenic.

NC_000019.10:g.(?_40403686)_(40403882_?)del

Genes: PRX (periaxin; minus strand), LOC130064453 (ATAC-STARR-seq lymphoblastoid silent region 10621; plus strand), LOC130064454 (ATAC-STARR-seq lymphoblastoid active region 14650; plus strand). Cytogenetic location: 19q13.2.
Variant type: Deletion.
Identifiers: ClinVar variation 543513 (VCV000543513.1).